The following is an entry in ClinVar:

ClinVar aggregate classification (germline): Uncertain significance (1 of 4 stars; one submission).

Conditions:
Combined oxidative phosphorylation defect type 14. Also called: Combined oxidative phosphorylation deficiency 14. Identifiers: Orphanet 319519, MedGen C4755312, MONDO:0013986, OMIM 614946.

gnomAD v4.1: 1 of 1,614,150 alleles (0.000062%); highest among the groups gnomAD compares: Non-Finnish European, 0.000085%; no homozygotes.

Submission:

Labcorp Genetics (formerly Invitae), Labcorp
Classification: Uncertain significance for Combined oxidative phosphorylation defect type 14. Last evaluated: 2020-10-01. Review status: criteria provided, single submitter. Criteria: Invitae Variant Classification Sherloc (09022015). Collection method: clinical testing. Allele origin: germline.
Comment: In summary, the available evidence is currently insufficient to determine the role of this variant in disease. Therefore, it has been classified as a Variant of Uncertain Significance. Algorithms developed to predict the effect of missense changes on protein structure and function are either unavailable or do not agree on the potential impact of this missense change (SIFT: "Tolerated"; PolyPhen-2: "Possibly Damaging"; Align-GVGD: "Class C0"). This variant has not been reported in the literature in individuals with FARS2-related conditions. This variant is not present in population databases (ExAC no frequency). This sequence change replaces serine with threonine at codon 137 of the FARS2 protein (p.Ser137Thr). The serine residue is moderately conserved and there is a small physicochemical difference between serine and threonine.

NM_006567.5(FARS2):c.410G>C (p.Ser137Thr)

Genes: FARS2 (phenylalanyl-tRNA synthetase 2, mitochondrial; plus strand), LOC126859565 (CDK7 strongly-dependent group 2 enhancer GRCh37_chr6:5368745-5369944; plus strand). Cytogenetic location: 6p25.1.
Variant type: single nucleotide variant.
Coding change: c.410G>C on transcript NM_006567.5 (MANE Select); coding-DNA position 410, G replaced by C.
Protein change: p.Ser137Thr; replaces serine 137 with threonine.
Molecular consequence: missense variant. On other transcripts: intron variant (2).
Genome position (GRCh38, 1-based): chr6:5,368,980, G>C. VCF-style: chr6-5368980-G-C. GRCh37 (hg19) VCF-style: chr6-5369213-G-C.
Other names: c.410G>C, p.Ser137Thr (NM_001318872.2, NM_001374875.1, NM_001374876.1 and 5 more transcripts); c.-340-27653G>C (NM_001375260.1); c.-84-35562G>C (NM_001375259.1); short protein forms S137T.
Identifiers: ClinVar variation 949385 (VCV000949385.10), dbSNP rs1758859644, ClinGen allele CA362735222.
Genomic context (GRCh38, chr6:5,368,980, plus strand): 5'-CTCCAGTGGTCACGACCTGGCAGAACTTTGACAGCCTGCTCATCCCAGCTGATCACCCCA[G>C]CAGGAAGAAGGGGGACAACTATTACCTGAATCGGACTCACATGCTGAGAGCGCACACGTC-3'
Protein context (NP_006558.1, residues 127-147): DSLLIPADHP[Ser137Thr]RKKGDNYYLN